The following is an entry in ClinVar:

NM_003074.4(SMARCC1):c.1614A>C (p.Gln538His)

Gene: SMARCC1 (SWI/SNF related BAF chromatin remodeling complex subunit C1; minus strand). Cytogenetic location: 3p21.31.
Variant type: single nucleotide variant.
Coding change: c.1614A>C on transcript NM_003074.4 (MANE Select); coding-DNA position 1614, A replaced by C.
Protein change: p.Gln538His; replaces glutamine 538 with histidine.
Molecular consequence: missense variant.
Genome position (GRCh38, 1-based): chr3:47,676,740, T>G on the plus strand (A>C on the coding strand, the complement: SMARCC1 is on the minus strand). VCF-style: chr3-47676740-T-G. GRCh37 (hg19) VCF-style: chr3-47718230-T-G.
Other names: c.1614A>C (NM_003074.3); short protein forms Q538H.
Identifiers: ClinVar variation 3339960 (VCV003339960.2).

ClinVar aggregate classification (germline): Uncertain significance. Review status: criteria provided, multiple submitters, no conflicts (2 of 4 stars). 2 submissions from 2 submitters: Uncertain significance (2). Last evaluated 2025-02-14.

Conditions:
Inborn genetic diseases. Identifiers: MedGen C0950123, MeSH D030342.

gnomAD v4.1: 6 of 1,613,654 alleles (0.00037%); highest among the groups gnomAD compares: African/African-American, 0.0013%; no homozygotes.

Submissions (2):

Ambry Genetics
Classification: Uncertain significance for Inborn genetic diseases. Last evaluated: 2025-02-14. Review status: criteria provided, single submitter. Criteria: Ambry Variant Classification Scheme 2023. Collection method: clinical testing. Allele origin: germline.

Women's Health and Genetics/Laboratory Corporation of America, LabCorp
Classification: Uncertain significance. Last evaluated: 2024-06-19. Review status: criteria provided, single submitter. Criteria: LabCorp Variant Classification Summary - May 2015. Collection method: clinical testing. Allele origin: germline.
Comment: Variant summary: SMARCC1 c.1614A>C (p.Gln538His) results in a non-conservative amino acid change located in the SWIRM domain (IPR007526) of the encoded protein sequence. Four of five in-silico tools predict a damaging effect of the variant on protein function. The variant was absent in 251410 control chromosomes. The available data on variant occurrences in the general population are insufficient to allow any conclusion about variant significance. To our knowledge, no occurrence of c.1614A>C in individuals affected with Hydrocephalus, Congenital, 5, Susceptibility To and no experimental evidence demonstrating its impact on protein function have been reported. No submitters have cited clinical-significance assessments for this variant to ClinVar. Based on the evidence outlined above, the variant was classified as uncertain significance.